The following is an entry in ClinVar:

ClinVar aggregate classification (germline): Conflicting classifications of pathogenicity. Review status: criteria provided, conflicting classifications (1 of 4 stars). 10 submissions from 9 submitters: Uncertain significance (4); Benign (2); Likely benign (2). 2 of the submissions do not count toward it. Last evaluated 2026-01-25.

Conditions:
Catecholaminergic polymorphic ventricular tachycardia 1. Also called: VENTRICULAR TACHYCARDIA, CATECHOLAMINERGIC POLYMORPHIC, 1, WITH OR WITHOUT ATRIAL DYSFUNCTION AND/OR DILATED CARDIOMYOPATHY; RYR2-Related Catecholaminergic Polymorphic Ventricular Tachycardia; VENTRICULAR TACHYCARDIA, STRESS-INDUCED POLYMORPHIC 1. Identifiers: Orphanet 3286, MedGen C1631597, MONDO:0011484, OMIM 604772.
Cardiomyopathy (CMYO). Also called: Cardiomyopathies. Identifiers: Orphanet 167848, MedGen C0878544, MONDO:0004994, HP:0001638. Inheritance: Various modes of inheritance.
Arrhythmogenic right ventricular dysplasia 2. Identifiers: MedGen C1832931.

Allele frequency attached by ClinVar (database versions not stated): ESP Exome Variant Server 0.00008; gnomAD 0.00008 and 0.00010; TOPMed 0.00011; ExAC 0.00012; gnomAD exomes 0.00012 and 0.00027; 1000 Genomes Project 30x 0.00016; 1000 Genomes Project 0.00020.
gnomAD v4.1: 401 of 1,602,570 alleles (0.025%); highest among the groups gnomAD compares: Non-Finnish European, 0.032%; 1 homozygote.

Submissions (10):

Labcorp Genetics (formerly Invitae), Labcorp
Classification: Likely benign for Catecholaminergic polymorphic ventricular tachycardia 1. Last evaluated: 2026-01-25. Review status: criteria provided, single submitter. Criteria: Invitae Variant Classification Sherloc (09022015). Collection method: clinical testing. Allele origin: germline.

Blueprint Genetics
Classification: Likely benign. Last evaluated: 2024-10-03. Review status: criteria provided, single submitter. Criteria: ACMG Guidelines, 2015. Collection method: clinical testing. Allele origin: germline.

Victorian Clinical Genetics Services, Murdoch Childrens Research Institute
Classification: Uncertain significance for Catecholaminergic polymorphic ventricular tachycardia 1. Last evaluated: 2021-05-06. Review status: criteria provided, single submitter. Criteria: ACMG Guidelines, 2015. Collection method: clinical testing. Allele origin: germline. Inheritance: Autosomal dominant inheritance.
Comment: Based on the classification scheme VCGS_Germline_v1.3.4, this variant is classified as VUS-3C. Following criteria are met: 0103 - Dominant negative and gain of function are known mechanisms of disease in this gene and are associated with catecholaminergic polymorphic ventricular tachycardia (CPVT) (MIM#604772). Functional studies on pathogenic variants have shown both dominant negative (reduced calcium ion release) and gain of function (increased calcium ion release) effects on the RYR2 pore (PMID: 27646203, 29477366). (I) 0107 - This gene is associated with autosomal dominant disease. (I) 0112 - The condition associated with this gene has incomplete penetrance. Average penetrance for CPVT is estimated at 70% to 80% (OMIM). (I) 0212 - Non-canonical splice site variant without proven consequence on splicing (no functional evidence available). (SP) 0251 - This variant is heterozygous. (I) 0302 - Variant is present in gnomAD (v2) <0.001 for a dominant condition (35 heterozygotes, 0 homozygotes). (SP) 0508 - In silico predictions for abnormal splicing are conflicting. (I) 0705 - No comparable [variant type] variants have previous evidence for pathogenicity. (I) 0806 - This variant has moderate previous evidence of being benign in unrelated individuals. This variant has been reported as benign or likely benign twice in the ClinVar database. It has also been reported in an infant who died at rest with no assertion of pathogenicity, although the authors concluded that it was not a potential cause of death (PMID: 30086531). (SB) 0905 - No published segregation evidence has been identified for this variant. (I) 1007 - No published functional evidence has been identified for this variant. (I) 1208 - Inheritance information for this variant is not currently available in this individual. (I) Legend: (SP) - Supporting pathogenic, (I) - Information, (SB) - Supporting benign

Women's Health and Genetics/Laboratory Corporation of America, LabCorp
Classification: Benign. Last evaluated: 2020-03-02. Review status: criteria provided, single submitter. Criteria: LabCorp Variant Classification Summary - May 2015. Collection method: clinical testing. Allele origin: germline.
Comment: Variant summary: RYR2 c.9067+10C>T alters a conserved nucleotide located close to a canonical splice site and therefore could affect mRNA splicing, leading to a significantly altered protein sequence. 4/4 computational tools predict no significant impact on normal splicing. However, these predictions have yet to be confirmed by functional studies. The variant allele was found at a frequency of 0.00012 in 240408 control chromosomes, predominantly at a frequency of 0.00023 within the Non-Finnish European subpopulation in the gnomAD database (exomes dataset). Furthermore, the variant has an even higher allele frequency in the North-western Europeans i.e. 0.00046 (19/41306 alleles). The observed variant frequency within North-western European control individuals in the gnomAD database is approximately 18 fold of the estimated maximal expected allele frequency for a pathogenic variant in RYR2 causing Cardiomyopathy phenotype (2.5e-05), strongly suggesting that the variant is a benign polymorphism found primarily in populations of Non-Finnish European origin. Therefore, this report does not provide unequivocal conclusions about association of the variant with Cardiomyopathy. To our knowledge, no experimental evidence demonstrating an impact on protein function has been reported. Two clinical diagnostic laboratories have submitted clinical-significance assessments for this variant to ClinVar after 2014 without evidence for independent evaluation. One laboratory classified the variant as likely benign, while the other laboratory classified the variant as uncertain significance. Based on the evidence outlined above, the variant was classified as benign.

CHEO Genetics Diagnostic Laboratory, Children's Hospital of Eastern Ontario
Classification: Uncertain significance for Cardiomyopathy. Last evaluated: 2020-02-19. Review status: criteria provided, single submitter. Criteria: ACMG Guidelines, 2015. Collection method: clinical testing. Allele origin: germline.

Illumina Laboratory Services, Illumina
Classification: Uncertain significance for Catecholaminergic polymorphic ventricular tachycardia 1. Last evaluated: 2018-01-12. Review status: criteria provided, single submitter. Criteria: ICSL Variant Classification Criteria 13 December 2019. Collection method: clinical testing. Allele origin: germline.

Illumina Laboratory Services, Illumina
Classification: Uncertain significance for Catecholaminergic polymorphic ventricular tachycardia 1. Last evaluated: 2018-01-12. Review status: criteria provided, single submitter. Criteria: ICSL Variant Classification Criteria 13 December 2019. Collection method: clinical testing. Allele origin: germline.

GeneDx
Classification: Benign. Last evaluated: 2015-03-03. Review status: criteria provided, single submitter. Criteria: GeneDx Variant Classification Process June 2021. Collection method: clinical testing. Allele origin: germline. Affected: yes.

Diagnostic Laboratory, Department of Genetics, University Medical Center Groningen
Classification: Likely benign. Review status: no assertion criteria provided. Collection method: clinical testing. Allele origin: germline. Affected: yes. Study: VKGL Data-share Consensus. Not counted in ClinVar's aggregate classification.

Genome Diagnostics Laboratory, University Medical Center Utrecht
Classification: Likely benign. Review status: no assertion criteria provided. Collection method: clinical testing. Allele origin: germline. Affected: yes. Study: VKGL Data-share Consensus. Not counted in ClinVar's aggregate classification.

Literature cited by the submitters: PubMed 27646203 (cited by Victorian Clinical Genetics Services, Murdoch Childrens Research Institute); PubMed 29477366 (cited by Victorian Clinical Genetics Services, Murdoch Childrens Research Institute); PubMed 30086531 (cited by Victorian Clinical Genetics Services, Murdoch Childrens Research Institute and Women's Health and Genetics/Laboratory Corporation of America, LabCorp).

NM_001035.3(RYR2):c.9067+10C>T

Gene: RYR2 (ryanodine receptor 2; plus strand). Cytogenetic location: 1q43.
Variant type: single nucleotide variant.
Coding change: c.9067+10C>T on transcript NM_001035.3 (MANE Select); 10 bases into the intron after coding-DNA position 9067, C replaced by T.
Molecular consequence: intron variant.
Genome position (GRCh38, 1-based): chr1:237,687,514, C>T. VCF-style: chr1-237687514-C-T. GRCh37 (hg19) VCF-style: chr1-237850814-C-T.
Other names: c.9067+10C>T (LRG_402t1).
Identifiers: ClinVar variation 296738 (VCV000296738.25), dbSNP rs372631657, ClinGen allele CA087820.